The following is an entry in ClinVar:

ClinVar aggregate classification (germline): Uncertain significance (1 of 4 stars; one submission).

Submission:

Labcorp Genetics (formerly Invitae), Labcorp
Classification: Uncertain significance. Last evaluated: 2022-08-31. Review status: criteria provided, single submitter. Criteria: Invitae Variant Classification Sherloc (09022015). Collection method: clinical testing. Allele origin: germline.
Comment: In summary, the available evidence is currently insufficient to determine the role of this variant in disease. Therefore, it has been classified as a Variant of Uncertain Significance. Algorithms developed to predict the effect of missense changes on protein structure and function are either unavailable or do not agree on the potential impact of this missense change (SIFT: "Tolerated"; PolyPhen-2: "Probably Damaging"; Align-GVGD: "Class C0"). ClinVar contains an entry for this variant (Variation ID: 1035494). This variant has not been reported in the literature in individuals affected with KCNJ13-related conditions. This variant is not present in population databases (gnomAD no frequency). This sequence change replaces phenylalanine, which is neutral and non-polar, with leucine, which is neutral and non-polar, at codon 237 of the KCNJ13 protein (p.Phe237Leu).

NM_002242.4(KCNJ13):c.709T>C (p.Phe237Leu)

Genes: GIGYF2 (GRB10 interacting GYF protein 2; plus strand), KCNJ13 (potassium inwardly rectifying channel subfamily J member 13; minus strand). Cytogenetic location: 2q37.1.
Variant type: single nucleotide variant.
Coding change: c.709T>C on transcript NM_002242.4 (MANE Select); coding-DNA position 709, T replaced by C.
Protein change: p.Phe237Leu; replaces phenylalanine 237 with leucine.
Molecular consequence: missense variant. On other transcripts: 3 prime UTR variant (1), intron variant (4).
Genome position (GRCh38, 1-based): chr2:232,768,565, A>G on the plus strand (T>C on the coding strand, the complement: KCNJ13 is on the minus strand). VCF-style: chr2-232768565-A-G. GRCh37 (hg19) VCF-style: chr2-233633275-A-G.
Other names: c.*188T>C (NM_001172416.1); c.469T>C, p.Phe157Leu (NM_001172417.1); c.532+7129A>G (NM_001103146.3, NM_015575.4, NM_001103147.2 and 1 more transcripts); short protein forms F237L, F157L.
Identifiers: ClinVar variation 1035494 (VCV001035494.8), dbSNP rs1699076484, ClinGen allele CA351009656.